The following is an entry in ClinVar:

ClinVar aggregate classification (germline): Uncertain significance (1 of 4 stars; one submission).

gnomAD v4.1: 1 of 1,614,074 alleles (0.000062%); highest among the groups gnomAD compares: Non-Finnish European, 0.000085%; no homozygotes.

Submission:

GeneDx
Classification: Uncertain significance. Last evaluated: 2025-07-28. Review status: criteria provided, single submitter. Criteria: GeneDx Variant Classification Process June 2021. Collection method: clinical testing. Allele origin: germline. Affected: yes.
Comment: Not observed at significant frequency in large population cohorts (gnomAD); In silico analysis suggests that this missense variant does not alter protein structure/function; Has not been previously published as pathogenic or benign to our knowledge

NM_153240.5(NPHP3):c.1356A>G (p.Ile452Met)

Genes: NPHP3 (nephrocystin 3; minus strand), NPHP3-ACAD11 (NPHP3-ACAD11 readthrough (NMD candidate); minus strand). Cytogenetic location: 3q22.1.
Variant type: single nucleotide variant.
Coding change: c.1356A>G on transcript NM_153240.5 (MANE Select); coding-DNA position 1356, A replaced by G.
Protein change: p.Ile452Met; replaces isoleucine 452 with methionine.
Molecular consequence: missense variant. On other transcripts: non-coding transcript variant (1).
Genome position (GRCh38, 1-based): chr3:132,704,366, T>C on the plus strand (A>G on the coding strand, the complement: NPHP3 is on the minus strand). VCF-style: chr3-132704366-T-C. GRCh37 (hg19) VCF-style: chr3-132423210-T-C.
Other names: short protein forms I452M.
Identifiers: ClinVar variation 4689930 (VCV004689930.1).